The following is an entry in ClinVar:

ClinVar aggregate classification (germline): Benign. Review status: criteria provided, multiple submitters, no conflicts (2 of 4 stars). 3 submissions from 3 submitters: Benign (2). 1 of the submissions does not count toward it. Last evaluated 2026-01-05.

Conditions:
FBN3-related disorder. Also called: FBN3-related condition.

Allele frequency attached by ClinVar (database versions not stated): gnomAD exomes 0.00059 and 0.00149; ExAC 0.00265; gnomAD 0.00634 and 0.00688; 1000 Genomes Project 0.00719; 1000 Genomes Project 30x 0.00734; ESP Exome Variant Server 0.00748; TOPMed 0.00754.
gnomAD v4.1: 1,841 of 1,601,724 alleles (0.11%); highest among the groups gnomAD compares: African/African-American, 2.2%; 19 homozygotes.

Submissions (3):

Labcorp Genetics (formerly Invitae), Labcorp
Classification: Benign. Last evaluated: 2026-01-05. Review status: criteria provided, single submitter. Criteria: Invitae Variant Classification Sherloc (09022015). Collection method: clinical testing. Allele origin: germline.

Breakthrough Genomics
Classification: Benign. Review status: criteria provided, single submitter. Criteria: ACMG Guidelines, 2015. Collection method: not provided. Allele origin: germline. Inheritance: Unknown mechanism. Affected: yes.

PreventionGenetics, part of Exact Sciences
Classification: Benign for FBN3-related condition. Last evaluated: 2019-06-06. Review status: no assertion criteria provided. Collection method: clinical testing. Allele origin: germline. Not counted in ClinVar's aggregate classification.
Comment: This variant is classified as benign based on ACMG/AMP sequence variant interpretation guidelines (Richards et al. 2015 PMID: 25741868, with internal and published modifications).

NM_032447.5(FBN3):c.133G>A (p.Val45Met)

Gene: FBN3 (fibrillin 3; minus strand). Cytogenetic location: 19p13.2.
Variant type: single nucleotide variant.
Coding change: c.133G>A on transcript NM_032447.5 (MANE Select); coding-DNA position 133, G replaced by A.
Protein change: p.Val45Met; replaces valine 45 with methionine.
Molecular consequence: missense variant.
Genome position (GRCh38, 1-based): chr19:8,147,348, C>T on the plus strand (G>A on the coding strand, the complement: FBN3 is on the minus strand). VCF-style: chr19-8147348-C-T. GRCh37 (hg19) VCF-style: chr19-8212232-C-T.
Other names: c.133G>A (NM_001321431.1); c.133G>A, p.Val45Met (NM_001321431.2); short protein forms V45M.
Identifiers: ClinVar variation 714759 (VCV000714759.12), dbSNP rs61729599, ClinGen allele CA9153874.
Genomic context (GRCh38, chr19:8,147,348, plus strand): 5'-CTCCCAGCATCCCAGGTACCACGCACCCCTGCAAGATGCCTGGGCTGCCCCGCCTCCGCA[C>T]ACGTCCAGGACCTGCAGCCTCCAAGGCCCCGTCCCAGCGGCCTTGGCCACCTGCCATGCA-3'
Protein context (NP_115823.3, residues 35-55): GALEAAGPGR[Val45Met]RRRGSPGILQ